The following is an entry in ClinVar:

NM_004036.5(ADCY3):c.1344C>T (p.Gly448=)

Gene: ADCY3 (adenylate cyclase 3; minus strand). Cytogenetic location: 2p23.3.
Variant type: single nucleotide variant.
Coding change: c.1344C>T on transcript NM_004036.5 (MANE Select); coding-DNA position 1344, C replaced by T.
Protein change: p.Gly448=; no amino-acid change (glycine 448 retained).
Molecular consequence: synonymous variant.
Genome position (GRCh38, 1-based): chr2:24,839,884, G>A on the plus strand (C>T on the coding strand, the complement: ADCY3 is on the minus strand). VCF-style: chr2-24839884-G-A. GRCh37 (hg19) VCF-style: chr2-25062753-G-A.
Other names: c.1344C>T (NM_001320613.1); c.1344C>T, p.Gly448= (NM_001320613.2, NM_001377128.1, NM_001377129.1 and 2 more transcripts); c.621C>T, p.Gly207= (NM_001377131.1).
Identifiers: ClinVar variation 3671723 (VCV003671723.3).

ClinVar aggregate classification (germline): Likely benign. Review status: criteria provided, multiple submitters, no conflicts (2 of 4 stars). 2 submissions from 2 submitters: Likely benign (2). Last evaluated 2025-09-05.

Conditions:
ADCY3-related disorder. Also called: ADCY3-related condition.

gnomAD v4.1: 18 of 1,613,784 alleles (0.0011%); highest among the groups gnomAD compares: Admixed American, 0.01%; no homozygotes.

Submissions (2):

PreventionGenetics, part of Exact Sciences
Classification: Likely benign for ADCY3-related condition. Last evaluated: 2025-09-05. Review status: criteria provided, single submitter. Criteria: ACMG Guidelines, 2015. Collection method: clinical testing. Allele origin: germline.
Comment: This variant is classified as likely benign based on ACMG/AMP sequence variant interpretation guidelines (Richards et al. 2015 PMID: 25741868, with internal and published modifications).

Labcorp Genetics (formerly Invitae), Labcorp
Classification: Likely benign. Last evaluated: 2025-01-14. Review status: criteria provided, single submitter. Criteria: Invitae Variant Classification Sherloc (09022015). Collection method: clinical testing. Allele origin: germline.